The following is an entry in ClinVar:

ClinVar aggregate classification (germline): Uncertain significance. Review status: criteria provided, multiple submitters, no conflicts (2 of 4 stars). 2 submissions from 2 submitters: Uncertain significance (2). Last evaluated 2023-08-03.

Conditions:
Hereditary nonpolyposis colorectal neoplasms. Identifiers: MedGen C0009405, MeSH D003123.
Hereditary cancer-predisposing syndrome. Also called: Neoplastic Syndromes, Hereditary; Tumor predisposition; Hereditary Cancer Syndrome; Hereditary neoplastic syndrome. Identifiers: Orphanet 140162, MedGen C0027672, MeSH D009386, MONDO:0015356.

Submissions (2):

Labcorp Genetics (formerly Invitae), Labcorp
Classification: Uncertain significance for Hereditary nonpolyposis colorectal neoplasms. Last evaluated: 2023-08-03. Review status: criteria provided, single submitter. Criteria: Invitae Variant Classification Sherloc (09022015). Collection method: clinical testing. Allele origin: germline.
Comment: This variant has not been reported in the literature in individuals affected with MSH6-related conditions. This variant is not present in population databases (gnomAD no frequency). This sequence change replaces glutamine, which is neutral and polar, with lysine, which is basic and polar, at codon 593 of the MSH6 protein (p.Gln593Lys). In summary, the available evidence is currently insufficient to determine the role of this variant in disease. Therefore, it has been classified as a Variant of Uncertain Significance. Advanced modeling of protein sequence and biophysical properties (such as structural, functional, and spatial information, amino acid conservation, physicochemical variation, residue mobility, and thermodynamic stability) has been performed at Invitae for this missense variant, however the output from this modeling did not meet the statistical confidence thresholds required to predict the impact of this variant on MSH6 protein function. ClinVar contains an entry for this variant (Variation ID: 1779898).

Ambry Genetics
Classification: Uncertain significance for Hereditary cancer-predisposing syndrome. Last evaluated: 2022-06-16. Review status: criteria provided, single submitter. Criteria: Ambry Variant Classification Scheme 2023. Collection method: clinical testing. Allele origin: germline.
Comment: The p.Q593K variant (also known as c.1777C>A), located in coding exon 4 of the MSH6 gene, results from a C to A substitution at nucleotide position 1777. The glutamine at codon 593 is replaced by lysine, an amino acid with similar properties. This amino acid position is conserved. In addition, the in silico prediction for this alteration is inconclusive. Since supporting evidence is limited at this time, the clinical significance of this alteration remains unclear.

NM_000179.3(MSH6):c.1777C>A (p.Gln593Lys)

Gene: MSH6 (mutS homolog 6; plus strand). Cytogenetic location: 2p16.3.
Variant type: single nucleotide variant.
Coding change: c.1777C>A on transcript NM_000179.3 (MANE Select); coding-DNA position 1777, C replaced by A.
Protein change: p.Gln593Lys; replaces glutamine 593 with lysine.
Molecular consequence: missense variant.
Genome position (GRCh38, 1-based): chr2:47,799,760, C>A. VCF-style: chr2-47799760-C-A. GRCh37 (hg19) VCF-style: chr2-48026899-C-A.
Other names: c.871C>A, p.Gln291Lys (NM_001281494.2, NM_001281493.2, NM_001406811.1 and 6 more transcripts); c.1873C>A, p.Gln625Lys (NM_001406795.1, NM_001406802.1); c.1387C>A, p.Gln463Lys (NM_001281492.2); c.1777C>A, p.Gln593Lys (NM_001406796.1, NM_001406798.1, NM_001406800.1 and 3 more transcripts); c.1480C>A, p.Gln494Lys (NM_001406797.1, NM_001406801.1, NM_001406805.1 and 10 more transcripts); c.1252C>A, p.Gln418Lys (NM_001406799.1, NM_001406806.1, NM_001406807.1); c.1699C>A, p.Gln567Lys (NM_001406804.1); c.1783C>A, p.Gln595Lys (NM_001406813.1); and 1 more; short protein forms Q463K, Q595K, Q625K, Q291K, Q593K, Q494K, Q418K, Q537K.
Identifiers: ClinVar variation 1779898 (VCV001779898.5), dbSNP rs751179784, ClinGen allele CA346749205.